The following is an entry in ClinVar:

ClinVar aggregate classification (germline): Uncertain significance. Review status: criteria provided, multiple submitters, no conflicts (2 of 4 stars). 3 submissions from 3 submitters: Uncertain significance (3). Last evaluated 2024-07-24.

Conditions:
Inborn genetic diseases. Identifiers: MedGen C0950123, MeSH D030342.
Bartter disease type 1. Also called: HYPOKALEMIC ALKALOSIS WITH HYPERCALCIURIA 1, ANTENATAL; Bartter syndrome, type 1, antenatal; HYPERPROSTAGLANDIN E SYNDROME 1; Bartter Syndrome type 1. Identifiers: Orphanet 112, Orphanet 620217, MedGen C1866495, MONDO:0100344, OMIM 601678, MONDO:0011127.

Allele frequency attached by ClinVar (database versions not stated): gnomAD 0.00001; gnomAD exomes 0.00001; ExAC 0.00003; 1000 Genomes Project 30x 0.00016; 1000 Genomes Project 0.00020.
gnomAD v4.1: 22 of 1,613,016 alleles (0.0014%); highest among the groups gnomAD compares: South Asian, 0.022%; 1 homozygote.

Submissions (3):

GeneDx
Classification: Uncertain significance. Last evaluated: 2024-07-24. Review status: criteria provided, single submitter. Criteria: GeneDx Variant Classification Process June 2021. Collection method: clinical testing. Allele origin: germline. Affected: yes.
Comment: In silico analysis indicates that this missense variant does not alter protein structure/function; Has not been previously published as pathogenic or benign to our knowledge

Revvity Omics, Revvity
Classification: Uncertain significance for Bartter disease type 1. Last evaluated: 2023-07-13. Review status: criteria provided, single submitter. Criteria: ACMG Guidelines, 2015. Collection method: clinical testing. Allele origin: germline.

Ambry Genetics
Classification: Uncertain significance for Inborn genetic diseases. Last evaluated: 2023-06-29. Review status: criteria provided, single submitter. Criteria: Ambry Variant Classification Scheme 2023. Collection method: clinical testing. Allele origin: germline.

NM_000338.3(SLC12A1):c.2456T>C (p.Phe819Ser)

Gene: SLC12A1 (solute carrier family 12 member 1; plus strand). Cytogenetic location: 15q21.1.
Variant type: single nucleotide variant.
Coding change: c.2456T>C on transcript NM_000338.3 (MANE Select); coding-DNA position 2456, T replaced by C.
Protein change: p.Phe819Ser; replaces phenylalanine 819 with serine.
Molecular consequence: missense variant.
Genome position (GRCh38, 1-based): chr15:48,274,624, T>C. VCF-style: chr15-48274624-T-C. GRCh37 (hg19) VCF-style: chr15-48566821-T-C.
Other names: c.2456T>C, p.Phe819Ser (NM_001184832.2, NM_001384136.1); short protein forms F819S.
Identifiers: ClinVar variation 2603361 (VCV002603361.5), dbSNP rs561055976, ClinGen allele CA7547403.
Genomic context (GRCh38, chr15:48,274,624, plus strand): 5'-CTTTCAGTGATGCATTTGATTTTGAGATTGGCGTGGTTATAGTCAGAATCAGCCAAGGAT[T>C]TGACATCTCTCAGGTTCTTCAGGTGCAAGGTATGTACTTTCTTTATTCAACCAACAAGTA-3'
Protein context (NP_000329.2, residues 809-829): GVVIVRISQG[Phe819Ser]DISQVLQVQE